The following is an entry in ClinVar:

NM_017934.7(PHIP):c.3122+7A>G

Genes: IRAK1BP1 (interleukin 1 receptor associated kinase 1 binding protein 1; plus strand), PHIP (PHIP subunit of CUL4-Ring ligase complex; minus strand). Cytogenetic location: 6q14.1.
Variant type: single nucleotide variant.
Coding change: c.3122+7A>G on transcript NM_017934.7 (MANE Select); 7 bases into the intron after coding-DNA position 3122, A replaced by G.
Molecular consequence: intron variant.
Genome position (GRCh38, 1-based): chr6:78,970,042, T>C on the plus strand (A>G on the coding strand, the complement: PHIP is on the minus strand). VCF-style: chr6-78970042-T-C. GRCh37 (hg19) VCF-style: chr6-79679759-T-C.
Identifiers: ClinVar variation 3350134 (VCV003350134.1).

ClinVar aggregate classification (germline): Uncertain significance (0 of 4 stars; one submission).

Conditions:
PHIP-related disorder. Also called: PHIP-related condition; PHIP-related disorders.

gnomAD v4.1: 5 of 1,613,252 alleles (0.00031%); highest among the groups gnomAD compares: Non-Finnish European, 0.00025%; no homozygotes.

Submission:

PreventionGenetics, part of Exact Sciences
Classification: Uncertain significance for PHIP-related condition. Last evaluated: 2024-05-30. Review status: no assertion criteria provided. Collection method: clinical testing. Allele origin: germline.
Comment: The PHIP c.3122+7A>G variant is predicted to interfere with splicing. To our knowledge, this variant has not been reported in the literature. This variant is reported in 0.0018% of alleles in individuals of European (non-Finnish) descent in gnomAD. At this time, the clinical significance of this variant is uncertain due to the absence of conclusive functional and genetic evidence.